The following is an entry in ClinVar:

ClinVar aggregate classification (germline): Uncertain significance (1 of 4 stars; one submission).

Conditions:
Spinocerebellar ataxia type 19/22 (SCA19). Also called: SPINOCEREBELLAR ATAXIA 19; SPINOCEREBELLAR ATAXIA 22. Identifiers: Orphanet 98772, MedGen C1846367, MONDO:0011819, OMIM 607346.

gnomAD v4.1: 5 of 1,614,148 alleles (0.00031%); highest among the groups gnomAD compares: Non-Finnish European, 0.00042%; no homozygotes.

Submission:

Labcorp Genetics (formerly Invitae), Labcorp
Classification: Uncertain significance for Spinocerebellar ataxia type 19/22. Last evaluated: 2025-10-13. Review status: criteria provided, single submitter. Criteria: Invitae Variant Classification Sherloc (09022015). Collection method: clinical testing. Allele origin: germline.
Comment: This sequence change replaces glutamic acid, which is acidic and polar, with glutamine, which is neutral and polar, at codon 626 of the KCND3 protein (p.Glu626Gln). This variant is not present in population databases (gnomAD no frequency). This variant has not been reported in the literature in individuals affected with KCND3-related conditions. Invitae Evidence Modeling of protein sequence and biophysical properties (such as structural, functional, and spatial information, amino acid conservation, physicochemical variation, residue mobility, and thermodynamic stability) indicates that this missense variant is not expected to disrupt KCND3 protein function with a negative predictive value of 95%. In summary, the available evidence is currently insufficient to determine the role of this variant in disease. Therefore, it has been classified as a Variant of Uncertain Significance.

NM_001378969.1(KCND3):c.1876G>C (p.Glu626Gln)

Gene: KCND3 (potassium voltage-gated channel subfamily D member 3; minus strand). Cytogenetic location: 1p13.2.
Variant type: single nucleotide variant.
Coding change: c.1876G>C on transcript NM_001378969.1 (MANE Select); coding-DNA position 1876, G replaced by C.
Protein change: p.Glu626Gln; replaces glutamic acid 626 with glutamine.
Molecular consequence: missense variant.
Genome position (GRCh38, 1-based): chr1:111,776,169, C>G on the plus strand (G>C on the coding strand, the complement: KCND3 is on the minus strand). VCF-style: chr1-111776169-C-G. GRCh37 (hg19) VCF-style: chr1-112318791-C-G.
Other names: c.1819G>C, p.Glu607Gln (NM_001378970.1, NM_172198.3); c.1876G>C, p.Glu626Gln (NM_004980.5); short protein forms E607Q, E626Q.
Identifiers: ClinVar variation 4707830 (VCV004707830.1).